The following is an entry in ClinVar:

ClinVar aggregate classification (germline): Uncertain significance. Review status: criteria provided, multiple submitters, no conflicts (2 of 4 stars). 3 submissions from 3 submitters: Uncertain significance (3). Last evaluated 2025-05-14.

Conditions:
Hereditary cancer-predisposing syndrome. Also called: Hereditary neoplastic syndrome; Neoplastic Syndromes, Hereditary; Tumor predisposition; Hereditary Cancer Syndrome. Identifiers: Orphanet 140162, MedGen C0027672, MeSH D009386, MONDO:0015356.
Ataxia-telangiectasia syndrome (AT). Also called: LOUIS-BAR SYNDROME; Cerebello-oculocutaneous telangiectasia; Immunodeficiency with ataxia telangiectasia; AT, COMPLEMENTATION GROUP C; Ataxia-telangiectasia, complementation group D; ATAXIA-TELANGIECTASIA, COMPLEMENTATION GROUP A. Identifiers: Orphanet 100, MedGen C0004135, MONDO:0008840, OMIM 208900.

Submissions (3):

Labcorp Genetics (formerly Invitae), Labcorp
Classification: Uncertain significance for Ataxia-telangiectasia syndrome. Last evaluated: 2025-05-14. Review status: criteria provided, single submitter. Criteria: Invitae Variant Classification Sherloc (09022015). Collection method: clinical testing. Allele origin: germline.
Comment: This sequence change replaces isoleucine, which is neutral and non-polar, with valine, which is neutral and non-polar, at codon 760 of the ATM protein (p.Ile760Val). This variant is not present in population databases (gnomAD no frequency). This variant has not been reported in the literature in individuals affected with ATM-related conditions. ClinVar contains an entry for this variant (Variation ID: 485219). Invitae Evidence Modeling of protein sequence and biophysical properties (such as structural, functional, and spatial information, amino acid conservation, physicochemical variation, residue mobility, and thermodynamic stability) indicates that this missense variant is not expected to disrupt ATM protein function with a negative predictive value of 95%. In summary, the available evidence is currently insufficient to determine the role of this variant in disease. Therefore, it has been classified as a Variant of Uncertain Significance.

Color Diagnostics, LLC DBA Color Health
Classification: Uncertain significance for Hereditary cancer-predisposing syndrome. Last evaluated: 2023-12-05. Review status: criteria provided, single submitter. Criteria: ACMG Guidelines, 2015. Collection method: clinical testing. Allele origin: germline.
Comment: This missense variant replaces isoleucine with valine at codon 760 of the ATM protein. Computational prediction tools and conservation analyses suggest that this variant may not impact the protein function. Computational splicing tools suggest that this variant may not impact RNA splicing. To our knowledge, functional assays have not been performed for this variant nor has this variant been reported in individuals affected with hereditary cancer in the literature. This variant has not been identified in the general population by the Genome Aggregation Database (gnomAD). Available evidence is insufficient to determine the role of this variant in disease conclusively. Therefore, this variant is classified as a Variant of Uncertain Significance.

Ambry Genetics
Classification: Uncertain significance for Hereditary cancer-predisposing syndrome. Last evaluated: 2020-12-22. Review status: criteria provided, single submitter. Criteria: Ambry Variant Classification Scheme 2023. Collection method: clinical testing. Allele origin: germline.
Comment: The p.I760V variant (also known as c.2278A>G), located in coding exon 14 of the ATM gene, results from an A to G substitution at nucleotide position 2278. The isoleucine at codon 760 is replaced by valine, an amino acid with highly similar properties. This amino acid position is well conserved in available vertebrate species. In addition, this alteration is predicted to be tolerated by in silico analysis. Since supporting evidence is limited at this time, the clinical significance of this alteration remains unclear.

NM_000051.4(ATM):c.2278A>G (p.Ile760Val)

Gene: ATM (ATM serine/threonine kinase; plus strand). Cytogenetic location: 11q22.3.
Variant type: single nucleotide variant.
Coding change: c.2278A>G on transcript NM_000051.4 (MANE Select); coding-DNA position 2278, A replaced by G.
Protein change: p.Ile760Val; replaces isoleucine 760 with valine.
Molecular consequence: missense variant.
Genome position (GRCh38, 1-based): chr11:108,257,508, A>G. VCF-style: chr11-108257508-A-G. GRCh37 (hg19) VCF-style: chr11-108128235-A-G.
Other names: c.2278A>G, p.Ile760Val (NM_001351834.2); short protein forms I760V.
Identifiers: ClinVar variation 485219 (VCV000485219.18), dbSNP rs1555075672, ClinGen allele CA382539658.